The following is an entry in ClinVar:

NM_000169.3(GLA):c.1132dup (p.Cys378fs)

Genes: RPL36A-HNRNPH2 (RPL36A-HNRNPH2 readthrough; plus strand), GLA (galactosidase alpha; minus strand). Cytogenetic location: Xq22.1.
Variant type: Duplication.
Coding change: c.1132dup on transcript NM_000169.3 (MANE Select); coding-DNA position 1132, one base duplicated (T; older notation c.1132dupT).
Protein change: p.Cys378fs; shifts the reading frame from cysteine 378.
Molecular consequence: frameshift variant. On other transcripts: non-coding transcript variant (3), intron variant (2).
Genome position (GRCh38, 1-based): chrX:101,397,967, A duplicated on the plus strand (T on the coding strand, the reverse complement: GLA is on the minus strand). VCF-style (leftmost placement, unchanged base first): chrX-101397966-C-CA. GRCh37 (hg19) VCF-style: chrX-100652954-C-CA.
Other names: c.1255dup, p.Cys419fs (NM_001406747.1); c.300+2510dup (NM_001199973.2); c.177+6145dup (NM_001199974.2); short protein forms C378fs, C419fs.
Identifiers: ClinVar variation 2707792 (VCV002707792.3), dbSNP rs2520851203, ClinGen allele CA2697544653.

ClinVar aggregate classification (germline): Pathogenic (1 of 4 stars; one submission).

Conditions:
Fabry disease. Also called: Fabry's disease; ALPHA-GALACTOSIDASE A DEFICIENCY; ANDERSON-FABRY DISEASE; CERAMIDE TRIHEXOSIDASE DEFICIENCY; GLA DEFICIENCY; HEREDITARY DYSTOPIC LIPIDOSIS. Identifiers: Orphanet 324, MedGen C0002986, MONDO:0010526, OMIM 301500, HP:0001071. Disease mechanism: Fabry disease is due to inactivating mutations in the X-linked GLA gene resulting in deficiency of the enzyme Alpha Galactosidase-A., loss of function.

Submission:

Labcorp Genetics (formerly Invitae), Labcorp
Classification: Pathogenic for Fabry disease. Last evaluated: 2024-01-05. Review status: criteria provided, single submitter. Criteria: Invitae Variant Classification Sherloc (09022015). Collection method: clinical testing. Allele origin: germline.
Comment: This sequence change creates a premature translational stop signal (p.Cys378Leufs*2) in the GLA gene. While this is not anticipated to result in nonsense mediated decay, it is expected to disrupt the last 52 amino acid(s) of the GLA protein. This variant is not present in population databases (gnomAD no frequency). This variant has not been reported in the literature in individuals affected with GLA-related conditions. Algorithms developed to predict the effect of sequence changes on RNA splicing suggest that this variant may create or strengthen a splice site. This variant disrupts a region of the GLA protein in which other variant(s) (p.Thr412Serfs*) have been determined to be pathogenic (PMID: 1668641, 16595074, 20505683, 22551898, 23935525, 28728877, 30386727; Invitae). This suggests that this is a clinically significant region of the protein, and that variants that disrupt it are likely to be disease-causing. For these reasons, this variant has been classified as Pathogenic.

Literature cited by the submitters: PubMed 1668641; PubMed 16595074; PubMed 20505683; PubMed 22551898; PubMed 23935525; PubMed 28728877; PubMed 30386727.